The following is an entry in ClinVar:

ClinVar aggregate classification (germline): Uncertain significance (1 of 4 stars; one submission).

Conditions:
Inborn genetic diseases. Identifiers: MedGen C0950123, MeSH D030342.

Allele frequency attached by ClinVar (database versions not stated): gnomAD exomes 0.00001.
gnomAD v4.1: 4 of 1,613,968 alleles (0.00025%); highest among the groups gnomAD compares: Non-Finnish European, 0.00025%; no homozygotes.

Submission:

Ambry Genetics
Classification: Uncertain significance for Inborn genetic diseases. Last evaluated: 2024-08-03. Review status: criteria provided, single submitter. Criteria: Ambry Variant Classification Scheme 2023. Collection method: clinical testing. Allele origin: germline.
Comment: The p.N225T variant (also known as c.674A>C), located in coding exon 5 of the ACD gene, results from an A to C substitution at nucleotide position 674. The asparagine at codon 225 is replaced by threonine, an amino acid with similar properties. This amino acid position is conserved. In addition, this alteration is predicted to be tolerated by in silico analysis. Since supporting evidence is limited at this time, the clinical significance of this alteration remains unclear.

NM_001082486.2(ACD):c.416A>C (p.Asn139Thr)

Gene: ACD (ACD shelterin complex subunit and telomerase recruitment factor; minus strand). Cytogenetic location: 16q22.1.
Variant type: single nucleotide variant.
Coding change: c.416A>C on transcript NM_001082486.2 (MANE Select); coding-DNA position 416, A replaced by C.
Protein change: p.Asn139Thr; replaces asparagine 139 with threonine.
Molecular consequence: missense variant.
Genome position (GRCh38, 1-based): chr16:67,659,417, T>G on the plus strand (A>C on the coding strand, the complement: ACD is on the minus strand). VCF-style: chr16-67659417-T-G. GRCh37 (hg19) VCF-style: chr16-67693320-T-G.
Other names: c.416A>C, p.Asn139Thr (NM_001410884.1); c.407A>C, p.Asn136Thr (NM_022914.3); short protein forms N136T, N139T.
Identifiers: ClinVar variation 1755214 (VCV001755214.3), dbSNP rs2052951744, ClinGen allele CA396355013.